The following is an entry in ClinVar:

ClinVar aggregate classification (germline): Pathogenic (1 of 4 stars; one submission).

Submission:

Labcorp Genetics (formerly Invitae), Labcorp
Classification: Pathogenic. Last evaluated: 2026-01-09. Review status: criteria provided, single submitter. Criteria: Invitae Variant Classification Sherloc (09022015). Collection method: clinical testing. Allele origin: germline.
Comment: This sequence change creates a premature translational stop signal (p.Val232Glyfs*12) in the GPAA1 gene. It is expected to result in an absent or disrupted protein product. Loss-of-function variants in GPAA1 are known to be pathogenic (PMID: 29100095). This variant is present in population databases (rs782232273, gnomAD 0.04%). This variant has not been reported in the literature in individuals affected with GPAA1-related conditions. ClinVar contains an entry for this variant (Variation ID: 2084338). Algorithms developed to predict the effect of sequence changes on RNA splicing suggest that this variant may disrupt the consensus splice site. For these reasons, this variant has been classified as Pathogenic.

Literature cited by the submitters: PubMed 29100095.

NM_003801.4(GPAA1):c.694dup (p.Val232fs)

Gene: GPAA1 (glycosylphosphatidylinositol anchor attachment 1; plus strand). Cytogenetic location: 8q24.3.
Variant type: Duplication.
Coding change: c.694dup on transcript NM_003801.4 (MANE Select); coding-DNA position 694, one base duplicated (G; older notation c.694dupG).
Protein change: p.Val232fs; shifts the reading frame from valine 232.
Molecular consequence: frameshift variant.
Genome position (GRCh38, 1-based): chr8:144,084,211, G duplicated; the last of 2 consecutive G bases (chr8:144,084,210-144,084,211); duplicating either gives the same sequence. VCF-style (leftmost placement, unchanged base first): chr8-144084209-T-TG. GRCh37 (hg19) VCF-style: chr8-145139112-T-TG.
Other names: short protein forms V232fs.
Identifiers: ClinVar variation 2084338 (VCV002084338.3), dbSNP rs782232273, ClinGen allele CA4932905.